The following is an entry in ClinVar:

NM_006922.4(SCN3A):c.3632T>C (p.Phe1211Ser)

Gene: SCN3A (sodium voltage-gated channel alpha subunit 3; minus strand). Cytogenetic location: 2q24.3.
Variant type: single nucleotide variant.
Coding change: c.3632T>C on transcript NM_006922.4 (MANE Select); coding-DNA position 3632, T replaced by C.
Protein change: p.Phe1211Ser; replaces phenylalanine 1211 with serine.
Molecular consequence: missense variant.
Genome position (GRCh38, 1-based): chr2:165,113,853, A>G on the plus strand (T>C on the coding strand, the complement: SCN3A is on the minus strand). VCF-style: chr2-165113853-A-G. GRCh37 (hg19) VCF-style: chr2-165970363-A-G.
Other names: c.3485T>C, p.Phe1162Ser (NM_001081676.2, NM_001081677.2); short protein forms F1162S, F1211S.
Identifiers: ClinVar variation 1397953 (VCV001397953.7), dbSNP rs2105710420, ClinGen allele CA349033414.
Genomic context (GRCh38, chr2:165,113,853, plus strand): 5'-TTGCCAATATGCATTTCACTTACCAATGCACCACTACTGAGAAGGATCATGAACACAATG[A>G]AAGTCTCAAACCAGTTGTGCTCAACAATACTGTAGCAGGTTTTTCGAAGATTCCACCAGA-3'
Protein context (NP_008853.3, residues 1201-1221): SIVEHNWFET[Phe1211Ser]IVFMILLSSG

ClinVar aggregate classification (germline): Uncertain significance. Review status: criteria provided, multiple submitters, no conflicts (2 of 4 stars). 2 submissions from 2 submitters: Uncertain significance (2). Last evaluated 2022-02-11.

Submissions (2):

GeneDx
Classification: Uncertain significance. Last evaluated: 2022-02-11. Review status: criteria provided, single submitter. Criteria: GeneDx Variant Classification Process June 2021. Collection method: clinical testing. Allele origin: germline. Affected: yes.
Comment: Not observed at significant frequency in large population cohorts (gnomAD); In silico analysis supports that this missense variant has a deleterious effect on protein structure/function; Has not been previously published as pathogenic or benign to our knowledge

Labcorp Genetics (formerly Invitae), Labcorp
Classification: Uncertain significance. Last evaluated: 2021-07-31. Review status: criteria provided, single submitter. Criteria: Invitae Variant Classification Sherloc (09022015). Collection method: clinical testing. Allele origin: germline.
Comment: In summary, the available evidence is currently insufficient to determine the role of this variant in disease. Therefore, it has been classified as a Variant of Uncertain Significance. Algorithms developed to predict the effect of missense changes on protein structure and function are either unavailable or do not agree on the potential impact of this missense change (SIFT: "Deleterious"; PolyPhen-2: "Possibly Damaging"; Align-GVGD: "Class C0"). This variant has not been reported in the literature in individuals affected with SCN3A-related conditions. This variant is not present in population databases (ExAC no frequency). This sequence change replaces phenylalanine with serine at codon 1211 of the SCN3A protein (p.Phe1211Ser). The phenylalanine residue is moderately conserved and there is a large physicochemical difference between phenylalanine and serine.